The following is an entry in ClinVar:

ClinVar aggregate classification (germline): Pathogenic (1 of 4 stars; one submission).

Allele frequency attached by ClinVar (database versions not stated): gnomAD exomes below 0.00001.
gnomAD v4.1: 1 of 1,558,900 alleles (0.000064%); highest among the groups gnomAD compares: Non-Finnish European, 0.000087%; no homozygotes.

Submission:

Labcorp Genetics (formerly Invitae), Labcorp
Classification: Pathogenic. Last evaluated: 2022-10-26. Review status: criteria provided, single submitter. Criteria: Invitae Variant Classification Sherloc (09022015). Collection method: clinical testing. Allele origin: germline.
Comment: This variant is not present in population databases (gnomAD no frequency). This sequence change creates a premature translational stop signal (p.Leu1563*) in the ADGRV1 gene. It is expected to result in an absent or disrupted protein product. Loss-of-function variants in ADGRV1 are known to be pathogenic (PMID: 19357117, 22135276, 22147658, 26226137, 30718709, 31047384, 32467589). For these reasons, this variant has been classified as Pathogenic. This variant has not been reported in the literature in individuals affected with ADGRV1-related conditions.

Literature cited by the submitters: PubMed 19357117; PubMed 22135276; PubMed 22147658; PubMed 26226137; PubMed 30718709; PubMed 31047384; PubMed 32467589.

NM_032119.4(ADGRV1):c.4688T>G (p.Leu1563Ter)

Gene: ADGRV1 (adhesion G protein-coupled receptor V1; plus strand). Cytogenetic location: 5q14.3.
Variant type: single nucleotide variant.
Coding change: c.4688T>G on transcript NM_032119.4 (MANE Select); coding-DNA position 4688, T replaced by G.
Protein change: p.Leu1563Ter; replaces leucine 1563 with a stop codon.
Molecular consequence: nonsense. On other transcripts: non-coding transcript variant (1).
Genome position (GRCh38, 1-based): chr5:90,658,214, T>G. VCF-style: chr5-90658214-T-G. GRCh37 (hg19) VCF-style: chr5-89954031-T-G.
Other names: short protein forms L1563*.
Identifiers: ClinVar variation 2036898 (VCV002036898.4), dbSNP rs1370684440, ClinGen allele CA360404802.